The following is an entry in ClinVar:

NM_018486.3(HDAC8):c.418G>A (p.Gly140Arg)

Gene: HDAC8 (histone deacetylase 8; minus strand). Cytogenetic location: Xq13.1.
Variant type: single nucleotide variant.
Coding change: c.418G>A on transcript NM_018486.3 (MANE Select); coding-DNA position 418, G replaced by A.
Protein change: p.Gly140Arg; replaces glycine 140 with arginine.
Molecular consequence: missense variant. On other transcripts: intron variant (2).
Genome position (GRCh38, 1-based): chrX:72,567,908, C>T on the plus strand (G>A on the coding strand, the complement: HDAC8 is on the minus strand). VCF-style: chrX-72567908-C-T. GRCh37 (hg19) VCF-style: chrX-71787758-C-T.
Other names: NC_000023.10:g.71787758C>T; c.418G>A, p.Gly140Arg (NM_001166419.2, NM_001166420.2, NM_001166422.2); c.164+4149G>A (NM_001166418.2, NM_001166448.2); short protein forms G140R.
Identifiers: ClinVar variation 523219 (VCV000523219.3), dbSNP rs1569412360, ClinGen allele CA413573919.

ClinVar aggregate classification (germline): Uncertain significance (1 of 4 stars; one submission).

Conditions:
Cornelia de Lange syndrome 5 (CDLS5). Also called: HDAC8-Related Cornelia de Lange Syndrome. Identifiers: Orphanet 199, MedGen C3550903, MONDO:0010471, OMIM 300882.

Submissions (2):

Baylor Genetics
Classification: Uncertain significance for Cornelia de Lange syndrome 5. Last evaluated: 2017-09-01. Review status: criteria provided, single submitter. Criteria: ACMG Guidelines, 2015. Collection method: clinical testing. Allele origin: de novo. Inheritance: X-linked inheritance. Affected: yes.

Dr. Peter K. Rogan Lab, Western University
No classification provided (evidence only). Condition: Thyroid cancer, nonmedullary, 1. Review status: no classification provided. Collection method: in vitro. Allele origin: not applicable. Functional consequence: retained intron. Not counted in ClinVar's aggregate classification.

Literature cited by the submitters: PubMed 30158690 (cited by Baylor Genetics); PubMed 25326635 (cited by Baylor Genetics).